The following is an entry in ClinVar:

NM_000179.3(MSH6):c.767G>A (p.Ser256Asn)

Gene: MSH6 (mutS homolog 6; plus strand). Cytogenetic location: 2p16.3.
Variant type: single nucleotide variant.
Coding change: c.767G>A on transcript NM_000179.3 (MANE Select); coding-DNA position 767, G replaced by A.
Protein change: p.Ser256Asn; replaces serine 256 with asparagine.
Molecular consequence: missense variant. On other transcripts: 5 prime UTR variant (2).
Genome position (GRCh38, 1-based): chr2:47,798,750, G>A. VCF-style: chr2-47798750-G-A. GRCh37 (hg19) VCF-style: chr2-48025889-G-A.
Other names: c.377G>A, p.Ser126Asn (NM_001281492.2); c.-140G>A (NM_001281493.2, NM_001281494.2); short protein forms S256N, S126N.
Identifiers: ClinVar variation 525658 (VCV000525658.12), dbSNP rs1553412194, ClinGen allele CA346740190.

ClinVar aggregate classification (germline): Uncertain significance. Review status: criteria provided, multiple submitters, no conflicts (2 of 4 stars). 3 submissions from 3 submitters: Uncertain significance (3). Last evaluated 2024-12-23.

Conditions:
Mismatch repair cancer syndrome 3. Identifiers: MedGen C5436807, MONDO:0030841, OMIM 619097.
Endometrial carcinoma. Also called: Endometrial carcinoma, somatic. Identifiers: MedGen C0476089, MONDO:0002447, OMIM 608089, HP:0012114.
Lynch syndrome 5 (LYNCH5). Also called: Colorectal cancer, hereditary nonpolyposis, type 5; Hereditary non-polyposis colorectal cancer, type 5. Identifiers: Orphanet 144, MedGen C1833477, MONDO:0013710, OMIM 614350. Disease mechanism: loss of function.
Hereditary nonpolyposis colorectal neoplasms. Identifiers: MedGen C0009405, MeSH D003123.
Hereditary cancer-predisposing syndrome. Also called: Neoplastic Syndromes, Hereditary; Tumor predisposition; Hereditary Cancer Syndrome; Hereditary neoplastic syndrome. Identifiers: Orphanet 140162, MedGen C0027672, MeSH D009386, MONDO:0015356.

Submissions (3):

Department of Pathology and Laboratory Medicine, Sinai Health System
Classification: Uncertain significance for Endometrial carcinoma; Lynch syndrome 5; Mismatch repair cancer syndrome 3. Last evaluated: 2024-12-23. Review status: criteria provided, single submitter. Criteria: ACMG Guidelines, 2015. Collection method: clinical testing. Allele origin: germline.

Labcorp Genetics (formerly Invitae), Labcorp
Classification: Uncertain significance for Hereditary nonpolyposis colorectal neoplasms. Last evaluated: 2021-07-12. Review status: criteria provided, single submitter. Criteria: Invitae Variant Classification Sherloc (09022015). Collection method: clinical testing. Allele origin: germline.
Comment: Algorithms developed to predict the effect of missense changes on protein structure and function do not agree on the potential impact of this missense change (SIFT: "Tolerated"; PolyPhen-2: "Probably Damaging"; Align-GVGD: "Class C0"). This variant has not been reported in the literature in individuals with MSH6-related disease. This variant is not present in population databases (ExAC no frequency). This sequence change replaces serine with asparagine at codon 256 of the MSH6 protein (p.Ser256Asn). The serine residue is highly conserved and there is a small physicochemical difference between serine and asparagine. In summary, the available evidence is currently insufficient to determine the role of this variant in disease. Therefore, it has been classified as a Variant of Uncertain Significance.

Ambry Genetics
Classification: Uncertain significance for Hereditary cancer-predisposing syndrome. Last evaluated: 2020-11-30. Review status: criteria provided, single submitter. Criteria: Ambry Variant Classification Scheme 2023. Collection method: clinical testing. Allele origin: germline.
Comment: The p.S256N variant (also known as c.767G>A), located in coding exon 4 of the MSH6 gene, results from a G to A substitution at nucleotide position 767. The serine at codon 256 is replaced by asparagine, an amino acid with highly similar properties. This amino acid position is highly conserved in available vertebrate species. In addition, the in silico prediction for this alteration is inconclusive. Since supporting evidence is limited at this time, the clinical significance of this alteration remains unclear.